The following is an entry in ClinVar:

NM_000289.6(PFKM):c.1208T>C (p.Val403Ala)

Gene: PFKM (phosphofructokinase, muscle; plus strand). Cytogenetic location: 12q13.11.
Variant type: single nucleotide variant.
Coding change: c.1208T>C on transcript NM_000289.6 (MANE Select); coding-DNA position 1208, T replaced by C.
Protein change: p.Val403Ala; replaces valine 403 with alanine.
Molecular consequence: missense variant. On other transcripts: non-coding transcript variant (6).
Genome position (GRCh38, 1-based): chr12:48,140,738, T>C. VCF-style: chr12-48140738-T-C. GRCh37 (hg19) VCF-style: chr12-48534521-T-C.
Other names: c.1421T>C, p.Val474Ala (NM_001166686.2, NM_001354737.1, NM_001354738.1 and 1 more transcripts); c.1208T>C, p.Val403Ala (NM_001166687.2, NM_001166688.2, NM_001354742.2 and 2 more transcripts); c.1517T>C, p.Val506Ala (NM_001354735.1, NM_001354736.1); c.1352T>C, p.Val451Ala (NM_001354740.1); c.1232T>C, p.Val411Ala (NM_001354741.2); c.1121T>C, p.Val374Ala (NM_001354745.2); c.1082T>C, p.Val361Ala (NM_001354746.2); c.1058T>C, p.Val353Ala (NM_001354747.2, NM_001354748.2); and 1 more; short protein forms V353A, V374A, V361A, V403A, V506A, V372A, V451A, V411A.
Identifiers: ClinVar variation 2142585 (VCV002142585.2), dbSNP rs925957626, ClinGen allele CA236517335.
Genomic context (GRCh38, chr12:48,140,738, plus strand): 5'-TGCTGGGTTTCTGTCCTCATTTTTCCCTGCTTCCTCCTGTATAGAGTGGTTCGCACACAG[T>C]GGCTGTGATGAACGTGGGGGCTCCGGCTGCAGGCATGAATGCTGCTGTTCGCTCCACTGT-3'
Protein context (NP_000280.1, residues 393-413): PPVSKSGSHT[Val403Ala]AVMNVGAPAA

ClinVar aggregate classification (germline): Uncertain significance. Review status: criteria provided, multiple submitters, no conflicts (2 of 4 stars). 2 submissions from 2 submitters: Uncertain significance (2). Last evaluated 2023-08-28.

Conditions:
Glycogen storage disease, type VII (GSD7). Also called: TARUI DISEASE; GSD VII; MUSCLE PHOSPHOFRUCTOKINASE DEFICIENCY; PFKM DEFICIENCY. Identifiers: Orphanet 371, MedGen C0017926, MONDO:0009295, OMIM 232800.

Allele frequency attached by ClinVar (database versions not stated): gnomAD exomes 0.00001; TOPMed 0.00002; gnomAD 0.00003.
gnomAD v4.1: 15 of 1,614,212 alleles (0.00093%); highest among the groups gnomAD compares: Admixed American, 0.013%; no homozygotes.

Submissions (2):

Revvity Omics, Revvity
Classification: Uncertain significance for Glycogen storage disease, type VII. Last evaluated: 2023-08-28. Review status: criteria provided, single submitter. Criteria: ACMG Guidelines, 2015. Collection method: clinical testing. Allele origin: germline.

Labcorp Genetics (formerly Invitae), Labcorp
Classification: Uncertain significance for Glycogen storage disease, type VII. Last evaluated: 2022-06-22. Review status: criteria provided, single submitter. Criteria: Invitae Variant Classification Sherloc (09022015). Collection method: clinical testing. Allele origin: germline.
Comment: This sequence change replaces valine, which is neutral and non-polar, with alanine, which is neutral and non-polar, at codon 403 of the PFKM protein (p.Val403Ala). This variant is present in population databases (no rsID available, gnomAD 0.01%). This variant has not been reported in the literature in individuals affected with PFKM-related conditions. Algorithms developed to predict the effect of missense changes on protein structure and function are either unavailable or do not agree on the potential impact of this missense change (SIFT: "Deleterious"; PolyPhen-2: "Possibly Damaging"; Align-GVGD: "Class C0"). In summary, the available evidence is currently insufficient to determine the role of this variant in disease. Therefore, it has been classified as a Variant of Uncertain Significance.